The following is an entry in ClinVar:

ClinVar aggregate classification (germline): Likely benign. Review status: criteria provided, multiple submitters, no conflicts (2 of 4 stars). 2 submissions from 2 submitters: Likely benign (2). Last evaluated 2025-06-03.

Conditions:
SETD2-related disorder.
Luscan-Lumish syndrome. Identifiers: Orphanet 597738, MedGen C4085873, MONDO:0014791, OMIM 616831.

Allele frequency attached by ClinVar (database versions not stated): gnomAD exomes 0.00002 and 0.00003; TOPMed 0.00002; ExAC 0.00005.
gnomAD v4.1: 11 of 1,613,894 alleles (0.00068%); highest among the groups gnomAD compares: Admixed American, 0.0083%; no homozygotes.

Submissions (2):

PreventionGenetics, part of Exact Sciences
Classification: Likely benign for SETD2-related condition. Last evaluated: 2025-06-03. Review status: criteria provided, single submitter. Criteria: ACMG Guidelines, 2015. Collection method: clinical testing. Allele origin: germline.
Comment: This variant is classified as likely benign based on ACMG/AMP sequence variant interpretation guidelines (Richards et al. 2015 PMID: 25741868, with internal and published modifications).

Labcorp Genetics (formerly Invitae), Labcorp
Classification: Likely benign for Luscan-Lumish syndrome. Last evaluated: 2025-03-12. Review status: criteria provided, single submitter. Criteria: Invitae Variant Classification Sherloc (09022015). Collection method: clinical testing. Allele origin: germline.

NM_014159.7(SETD2):c.2712A>G (p.Thr904=)

Gene: SETD2 (SET domain containing 2, histone lysine methyltransferase; minus strand). Cytogenetic location: 3p21.31.
Variant type: single nucleotide variant.
Coding change: c.2712A>G on transcript NM_014159.7 (MANE Select); coding-DNA position 2712, A replaced by G.
Protein change: p.Thr904=; no amino-acid change (threonine 904 retained).
Molecular consequence: synonymous variant. On other transcripts: non-coding transcript variant (1).
Genome position (GRCh38, 1-based): chr3:47,121,924, T>C on the plus strand (A>G on the coding strand, the complement: SETD2 is on the minus strand). VCF-style: chr3-47121924-T-C. GRCh37 (hg19) VCF-style: chr3-47163414-T-C.
Other names: c.2580A>G, p.Thr860= (NM_001349370.3).
Identifiers: ClinVar variation 542234 (VCV000542234.11), dbSNP rs759642122, ClinGen allele CA2363497.